The following is an entry in ClinVar:

ClinVar aggregate classification (germline): Likely benign. Review status: criteria provided, multiple submitters, no conflicts (2 of 4 stars). 2 submissions from 2 submitters: Likely benign (2). Last evaluated 2026-01-12.

Conditions:
Developmental and epileptic encephalopathy, 36 (DEE36). Also called: Congenital disorder of glycosylation, type Is; ALG13-CDG; Epileptic encephalopathy, early infantile, 36. Identifiers: Orphanet 324422, MedGen C4317295, MONDO:0010472, OMIM 300884.

Allele frequency attached by ClinVar (database versions not stated): gnomAD exomes 0.00001 and 0.00002; gnomAD 0.00002; ExAC 0.00004; TOPMed 0.00005; ESP Exome Variant Server 0.00012.
gnomAD v4.1: 10 of 1,182,363 alleles (0.00085%); highest among the groups gnomAD compares: African/African-American, 0.0018%; no homozygotes.

Submissions (2):

Labcorp Genetics (formerly Invitae), Labcorp
Classification: Likely benign for Developmental and epileptic encephalopathy, 36. Last evaluated: 2026-01-12. Review status: criteria provided, single submitter. Criteria: Invitae Variant Classification Sherloc (09022015). Collection method: clinical testing. Allele origin: germline.

GeneDx
Classification: Likely benign. Last evaluated: 2018-04-02. Review status: criteria provided, single submitter. Criteria: GeneDx Variant Classification (06012015). Collection method: clinical testing. Allele origin: germline. Affected: yes.
Comment: This variant is considered likely benign or benign based on one or more of the following criteria: it is a conservative change, it occurs at a poorly conserved position in the protein, it is predicted to be benign by multiple in silico algorithms, and/or has population frequency not consistent with disease.

NM_001099922.3(ALG13):c.1977-12C>T

Gene: ALG13 (ALG13 UDP-N-acetylglucosaminyltransferase subunit; plus strand). Cytogenetic location: Xq23.
Variant type: single nucleotide variant.
Coding change: c.1977-12C>T on transcript NM_001099922.3 (MANE Select); 12 bases into the intron before coding-DNA position 1977, C replaced by T.
Molecular consequence: intron variant.
Genome position (GRCh38, 1-based): chrX:111,727,320, C>T. VCF-style: chrX-111727320-C-T. GRCh37 (hg19) VCF-style: chrX-110970548-C-T.
Other names: c.1665-12C>T (NM_001257237.2, NM_001257234.2, NM_001257230.2); c.1491-12C>T (NM_001324293.1); c.1743-12C>T (NM_001257231.2); c.1977-12C>T (NM_001324292.2).
Identifiers: ClinVar variation 681481 (VCV000681481.9), dbSNP rs374618611, ClinGen allele CA10493806.